The following is an entry in ClinVar:

ClinVar aggregate classification (germline): Uncertain significance (1 of 4 stars; one submission).

Allele frequency attached by ClinVar (database versions not stated): TOPMed below 0.00001; ExAC 0.00001; gnomAD 0.00001.
gnomAD v4.1: 8 of 1,598,960 alleles (0.0005%); highest among the groups gnomAD compares: South Asian, 0.0088%; no homozygotes.

Submission:

Labcorp Genetics (formerly Invitae), Labcorp
Classification: Uncertain significance. Last evaluated: 2023-12-04. Review status: criteria provided, single submitter. Criteria: Invitae Variant Classification Sherloc (09022015). Collection method: clinical testing. Allele origin: germline.
Comment: This sequence change replaces isoleucine, which is neutral and non-polar, with methionine, which is neutral and non-polar, at codon 1327 of the VCAN protein (p.Ile1327Met). This variant is present in population databases (rs763733726, gnomAD 0.003%). This variant has not been reported in the literature in individuals affected with VCAN-related conditions. An algorithm developed to predict the effect of missense changes on protein structure and function (PolyPhen-2) suggests that this variant is likely to be disruptive. In summary, the available evidence is currently insufficient to determine the role of this variant in disease. Therefore, it has been classified as a Variant of Uncertain Significance.

NM_004385.5(VCAN):c.3981T>G (p.Ile1327Met)

Gene: VCAN (versican; plus strand). Cytogenetic location: 5q14.3.
Variant type: single nucleotide variant.
Coding change: c.3981T>G on transcript NM_004385.5 (MANE Select); coding-DNA position 3981, T replaced by G.
Protein change: p.Ile1327Met; replaces isoleucine 1327 with methionine.
Molecular consequence: missense variant. On other transcripts: intron variant (2).
Genome position (GRCh38, 1-based): chr5:83,522,287, T>G. VCF-style: chr5-83522287-T-G. GRCh37 (hg19) VCF-style: chr5-82818106-T-G.
Other names: c.3981T>G, p.Ile1327Met (NM_001164098.2); c.1042+9891T>G (NM_001164097.2, NM_001126336.3); short protein forms I1327M.
Identifiers: ClinVar variation 2979798 (VCV002979798.3), dbSNP rs763733726, ClinGen allele CA3333085.